The following is an entry in ClinVar:

ClinVar aggregate classification (germline): Likely benign (0 of 4 stars; one submission).

Conditions:
ITSN1-related disorder. Also called: ITSN1-related condition.

Allele frequency attached by ClinVar (database versions not stated): ExAC 0.00004; gnomAD 0.00004; TOPMed 0.00005; ESP Exome Variant Server 0.00008.
gnomAD v4.1: 116 of 1,560,928 alleles (0.0074%); highest among the groups gnomAD compares: Non-Finnish European, 0.0088%; no homozygotes.

Submission:

PreventionGenetics, part of Exact Sciences
Classification: Likely benign for ITSN1-related condition. Last evaluated: 2019-06-28. Review status: no assertion criteria provided. Collection method: clinical testing. Allele origin: germline.
Comment: This variant is classified as likely benign based on ACMG/AMP sequence variant interpretation guidelines (Richards et al. 2015 PMID: 25741868, with internal and published modifications).

NM_003024.3(ITSN1):c.624-7C>G

Gene: ITSN1 (intersectin 1; plus strand). Cytogenetic location: 21q22.11.
Variant type: single nucleotide variant.
Coding change: c.624-7C>G on transcript NM_003024.3 (MANE Select); 7 bases into the intron before coding-DNA position 624, C replaced by G.
Molecular consequence: intron variant.
Genome position (GRCh38, 1-based): chr21:33,755,290, C>G. VCF-style: chr21-33755290-C-G. GRCh37 (hg19) VCF-style: chr21-35127595-C-G.
Other names: c.624-7C>G (NM_001331010.2, NM_001001132.2, NM_001331008.2 and 2 more transcripts); c.513-7C>G (NM_001331012.2).
Identifiers: ClinVar variation 3043413 (VCV003043413.2), dbSNP rs368428356, ClinGen allele CA10011377.
Genomic context (GRCh38, chr21:33,755,290, plus strand): 5'-TTAAGGAACTTTACCAGGCTGTTCCTTATGGATAATCCTCTTTCTCTCCTTTTTCTTTTC[C>G]CCACAGTGTCCCACCAGTGGCAGAGTGGGCTGTTCCTCAGTCATCAAGACTGAAATACAG-3'